The following is an entry in ClinVar:

ClinVar aggregate classification (germline): Likely pathogenic (1 of 4 stars; one submission).

Conditions:
Fanconi anemia (FA). Also called: Fanconi's anemia. Identifiers: Orphanet 84, MedGen C0015625, MeSH D005199, MONDO:0019391.

Submission:

Labcorp Genetics (formerly Invitae), Labcorp
Classification: Likely pathogenic for Fanconi anemia. Last evaluated: 2024-08-05. Review status: criteria provided, single submitter. Criteria: Invitae Variant Classification Sherloc (09022015). Collection method: clinical testing. Allele origin: germline.
Comment: This sequence change affects a donor splice site in intron 10 of the FANCC gene. It is expected to disrupt RNA splicing. Variants that disrupt the donor or acceptor splice site typically lead to a loss of protein function (PMID: 16199547), and loss-of-function variants in FANCC are known to be pathogenic (PMID: 17924555). This variant is not present in population databases (gnomAD no frequency). This variant has not been reported in the literature in individuals affected with FANCC-related conditions. Algorithms developed to predict the effect of sequence changes on RNA splicing suggest that this variant may disrupt the consensus splice site. In summary, the currently available evidence indicates that the variant is pathogenic, but additional data are needed to prove that conclusively. Therefore, this variant has been classified as Likely Pathogenic.

Literature cited by the submitters: PubMed 16199547; PubMed 17924555.

NM_000136.3(FANCC):c.996+2T>C

Genes: AOPEP (aminopeptidase O (putative); plus strand), FANCC (FA complementation group C; minus strand). Cytogenetic location: 9q22.32.
Variant type: single nucleotide variant.
Coding change: c.996+2T>C on transcript NM_000136.3 (MANE Select); the canonical splice donor site of the intron after coding-DNA position 996, T replaced by C.
Molecular consequence: splice donor variant.
Genome position (GRCh38, 1-based): chr9:95,125,084, A>G on the plus strand (T>C on the coding strand, the complement: FANCC is on the minus strand). VCF-style: chr9-95125084-A-G. GRCh37 (hg19) VCF-style: chr9-97887366-A-G.
Other names: c.996+2T>C (NM_001243743.2, NM_001243744.2).
Identifiers: ClinVar variation 2751878 (VCV002751878.3), dbSNP rs2541136426, ClinGen allele CA374108713.
Genomic context (GRCh38, chr9:95,125,084, plus strand): 5'-AAATACTCTCAACAGCGTCTTATTCTCTGGGATGAATGAGTAATATATGTGATATAACAA[A>G]CCTGCTTGCTTGCTTTCTCCAGAGCTTCTACAAAGCACTGCGTAAACACCTGAATAGTGG-3'